The following is an entry in ClinVar:

NM_018136.5(ASPM):c.849C>T (p.Ser283=)

Gene: ASPM (assembly factor for spindle microtubules; minus strand). Cytogenetic location: 1q31.3.
Variant type: single nucleotide variant.
Coding change: c.849C>T on transcript NM_018136.5 (MANE Select); coding-DNA position 849, C replaced by T.
Protein change: p.Ser283=; no amino-acid change (serine 283 retained).
Molecular consequence: synonymous variant.
Genome position (GRCh38, 1-based): chr1:197,143,403, G>A on the plus strand (C>T on the coding strand, the complement: ASPM is on the minus strand). VCF-style: chr1-197143403-G-A. GRCh37 (hg19) VCF-style: chr1-197112533-G-A.
Other names: c.849C>T, p.Ser283= (NM_001206846.2).
Identifiers: ClinVar variation 95890 (VCV000095890.29), dbSNP rs6677082, ClinGen allele CA149008.

ClinVar aggregate classification (germline): Benign. Review status: criteria provided, multiple submitters, no conflicts (2 of 4 stars). 13 submissions from 13 submitters: Benign (10). 3 of the submissions do not count toward it. Last evaluated 2026-02-04.

Conditions:
Microcephaly 5, primary, autosomal recessive (MCPH5). Also called: ASPM Primary Microcephaly. Identifiers: Orphanet 2512, MedGen C1837501, MONDO:0012106, OMIM 608716.

Allele frequency attached by ClinVar (database versions not stated): ESP Exome Variant Server 0.73078; 1000 Genomes Project 30x 0.74094; TOPMed 0.74128; gnomAD 0.74886 and 0.76078; 1000 Genomes Project 0.75559; ExAC 0.86978; gnomAD exomes 0.88021 and 0.89403.
gnomAD v4.1: 1,421,618 of 1,613,648 alleles (88%); highest among the groups gnomAD compares: East Asian, 98%; 637,207 homozygotes.

Submissions (13):

Labcorp Genetics (formerly Invitae), Labcorp
Classification: Benign. Last evaluated: 2026-02-04. Review status: criteria provided, single submitter. Criteria: Invitae Variant Classification Sherloc (09022015). Collection method: clinical testing. Allele origin: germline.

Blueprint Genetics
Classification: Benign. Last evaluated: 2024-11-26. Review status: criteria provided, single submitter. Criteria: ACMG Guidelines, 2015. Collection method: clinical testing. Allele origin: germline.

Genome-Nilou Lab
Classification: Benign for Microcephaly 5, primary, autosomal recessive. Last evaluated: 2021-07-14. Review status: criteria provided, single submitter. Criteria: ACMG Guidelines, 2015. Collection method: clinical testing. Allele origin: germline. Affected: no.

Illumina Laboratory Services, Illumina
Classification: Benign for Microcephaly 5, primary, autosomal recessive. Last evaluated: 2018-01-13. Review status: criteria provided, single submitter. Criteria: ICSL Variant Classification Criteria 13 December 2019. Collection method: clinical testing. Allele origin: germline.
Comment: This variant was observed in the ICSL laboratory as part of a predisposition screen in an ostensibly healthy population. It had not been previously curated by ICSL or reported in the Human Gene Mutation Database (HGMD: prior to June 1st, 2018), and was therefore a candidate for classification through an automated scoring system. Utilizing variant allele frequency, disease prevalence and penetrance estimates, and inheritance mode, an automated score was calculated to assess if this variant is too frequent to cause the disease. Based on the score and internal cut-off values, a variant classified as benign is not then subjected to further curation. The score for this variant resulted in a classification of benign for this disease.

Athena Diagnostics
Classification: Benign. Last evaluated: 2017-08-02. Review status: criteria provided, single submitter. Criteria: Athena Diagnostics Criteria. Collection method: clinical testing. Allele origin: germline.

Clinical Genetics DNA and cytogenetics Diagnostics Lab, Erasmus MC, Erasmus Medical Center
Classification: Benign for Microcephaly 5, primary, autosomal recessive. Last evaluated: 2017-06-28. Review status: criteria provided, single submitter. Criteria: ACGS Guidelines, 2013. Collection method: clinical testing. Allele origin: germline. Affected: yes. Study: VKGL Data-share Consensus.

GeneDx
Classification: Benign. Last evaluated: 2015-03-03. Review status: criteria provided, single submitter. Criteria: GeneDx Variant Classification Process June 2021. Collection method: clinical testing. Allele origin: germline. Affected: yes.

Eurofins Ntd Llc (ga)
Classification: Benign. Last evaluated: 2014-06-25. Review status: criteria provided, single submitter. Criteria: EGL Classification Definitions 2015. Collection method: clinical testing. Allele origin: germline. Observed: 2 variant alleles, 1 heterozygote, 1 homozygote.

Breakthrough Genomics
Classification: Benign. Review status: criteria provided, single submitter. Criteria: ACMG Guidelines, 2015. Collection method: not provided. Allele origin: germline. Inheritance: Autosomal recessive inheritance. Affected: yes.

PreventionGenetics, part of Exact Sciences
Classification: Benign. Review status: criteria provided, single submitter. Criteria: ACMG Guidelines, 2015. Collection method: clinical testing. Allele origin: germline.

Diagnostic Laboratory, Department of Genetics, University Medical Center Groningen
Classification: Benign for Microcephaly 5, primary, autosomal recessive. Review status: no assertion criteria provided. Collection method: clinical testing. Allele origin: germline. Affected: yes. Study: VKGL Data-share Consensus. Not counted in ClinVar's aggregate classification.

Genetic Services Laboratory, University of Chicago
Classification: Likely benign. Review status: no assertion criteria provided. Collection method: clinical testing. Allele origin: germline. Inheritance: Autosomal recessive inheritance. Not counted in ClinVar's aggregate classification.
Comment: Likely benign based on allele frequency in 1000 Genomes Project or ESP global frequency and its presence in a patient with a rare or unrelated disease phenotype. NOT Sanger confirmed

Joint Genome Diagnostic Labs from Nijmegen and Maastricht, Radboudumc and MUMC+
Classification: Benign. Review status: no assertion criteria provided. Collection method: clinical testing. Allele origin: germline. Affected: yes. Study: VKGL Data-share Consensus. Not counted in ClinVar's aggregate classification.